The following is an entry in ClinVar:

ClinVar aggregate classification (germline): Conflicting classifications of pathogenicity. Review status: criteria provided, conflicting classifications (1 of 4 stars). 2 submissions from 2 submitters: Uncertain significance (1); Likely benign (1). Last evaluated 2026-09-12.

Conditions:
Congenital factor V deficiency. Also called: LABILE FACTOR DEFICIENCY; OWREN PARAHEMOPHILIA; PARAHEMOPHILIA; Hereditary factor V deficiency disease. Identifiers: Orphanet 326, MedGen C0015499, MONDO:0009210, OMIM 227400.

Allele frequency attached by ClinVar (database versions not stated): gnomAD exomes 0.00013; ExAC 0.00014; gnomAD 0.00050 and 0.00054; TOPMed 0.00055; 1000 Genomes Project 0.00060; 1000 Genomes Project 30x 0.00062; ESP Exome Variant Server 0.00069.
gnomAD v4.1: 151 of 1,600,160 alleles (0.0094%); highest among the groups gnomAD compares: African/African-American, 0.18%; no homozygotes.

Submissions (2):

GeneDx
Classification: Uncertain significance. Last evaluated: 2026-09-12. Review status: criteria provided, single submitter. Criteria: GeneDx Variant Classification Process June 2021. Collection method: clinical testing. Allele origin: germline.
Comment: In silico analysis suggests that this missense variant does not alter protein structure/function; Has not been previously published as pathogenic or benign to our knowledge; This variant is associated with the following publications: (PMID: 38108069, 32496628)

Labcorp Genetics (formerly Invitae), Labcorp
Classification: Likely benign for Congenital factor V deficiency. Last evaluated: 2026-01-17. Review status: criteria provided, single submitter. Criteria: Invitae Variant Classification Sherloc (09022015). Collection method: clinical testing. Allele origin: germline.

NM_000130.5(F5):c.2752C>T (p.Pro918Ser)

Gene: F5 (coagulation factor V; minus strand). Cytogenetic location: 1q24.2.
Variant type: single nucleotide variant.
Coding change: c.2752C>T on transcript NM_000130.5 (MANE Select); coding-DNA position 2752, C replaced by T.
Protein change: p.Pro918Ser; replaces proline 918 with serine.
Molecular consequence: missense variant.
Genome position (GRCh38, 1-based): chr1:169,542,338, G>A on the plus strand (C>T on the coding strand, the complement: F5 is on the minus strand). VCF-style: chr1-169542338-G-A. GRCh37 (hg19) VCF-style: chr1-169511576-G-A.
Other names: c.2752C>T (NM_000130.4); short protein forms P918S.
Identifiers: ClinVar variation 1136361 (VCV001136361.9), dbSNP rs149389480, ClinGen allele CA1234036.